The following is an entry in ClinVar:

ClinVar aggregate classification (germline): Uncertain significance (1 of 4 stars; one submission).

Conditions:
Singleton-Merten syndrome 1 (SGMRT1). Also called: Widened medullary cavities of bone, aortic calcification, abnormal dentition, and muscular weakness; Syndrome of widened medullary cavities of the metacarpals and phalanges, aortic calcification and abnormal dentition. Identifiers: Orphanet 85191, MedGen C4225427, MONDO:0024535, OMIM 182250.
Aicardi-Goutieres syndrome 7 (AGS7). Identifiers: Orphanet 51, MedGen C3888244, MONDO:0014367, OMIM 615846.

Submission:

Labcorp Genetics (formerly Invitae), Labcorp
Classification: Uncertain significance for Aicardi-Goutieres syndrome 7; Singleton-Merten syndrome 1. Last evaluated: 2022-06-20. Review status: criteria provided, single submitter. Criteria: Invitae Variant Classification Sherloc (09022015). Collection method: clinical testing. Allele origin: germline.
Comment: This variant has not been reported in the literature in individuals affected with IFIH1-related conditions. ClinVar contains an entry for this variant (Variation ID: 568651). In summary, the available evidence is currently insufficient to determine the role of this variant in disease. Therefore, it has been classified as a Variant of Uncertain Significance. This variant is not present in population databases (gnomAD no frequency). This sequence change creates a premature translational stop signal (p.Pro569Glnfs*36) in the IFIH1 gene. It is expected to result in an absent or disrupted protein product. However, the current clinical and genetic evidence is not sufficient to establish whether loss-of-function variants in IFIH1 cause disease.

NM_022168.4(IFIH1):c.1704del (p.Pro569fs)

Gene: IFIH1 (interferon induced with helicase C domain 1; minus strand). Cytogenetic location: 2q24.2.
Variant type: Deletion.
Coding change: c.1704del on transcript NM_022168.4 (MANE Select); coding-DNA position 1704, one base deleted (T; older notation c.1704delT).
Protein change: p.Pro569fs; shifts the reading frame from proline 569.
Molecular consequence: frameshift variant.
Genome position (GRCh38, 1-based): chr2:162,278,266, A deleted on the plus strand (T on the coding strand, the reverse complement: IFIH1 is on the minus strand). VCF-style (leftmost placement, unchanged base first): chr2-162278265-GA-G. GRCh37 (hg19) VCF-style: chr2-163134775-GA-G.
Other names: c.1704del, p.Pro569fs (LRG_1235t1); short protein forms P569fs.
Identifiers: ClinVar variation 568651 (VCV000568651.6), dbSNP rs1558866398, ClinGen allele CA891842461.